The following is an entry in ClinVar:

ClinVar aggregate classification (germline): Uncertain significance (1 of 4 stars; one submission).

Conditions:
Chédiak-Higashi syndrome (CHS). Also called: Chediak-Higashi Syndrome. Identifiers: Orphanet 167, MedGen C0007965, MONDO:0008963, OMIM 214500.

Submission:

Labcorp Genetics (formerly Invitae), Labcorp
Classification: Uncertain significance for Chédiak-Higashi syndrome. Last evaluated: 2022-01-03. Review status: criteria provided, single submitter. Criteria: Invitae Variant Classification Sherloc (09022015). Collection method: clinical testing. Allele origin: germline.
Comment: In summary, the available evidence is currently insufficient to determine the role of this variant in disease. Therefore, it has been classified as a Variant of Uncertain Significance. Algorithms developed to predict the effect of missense changes on protein structure and function (SIFT, PolyPhen-2, Align-GVGD) all suggest that this variant is likely to be tolerated. This variant has not been reported in the literature in individuals affected with LYST-related conditions. This variant is not present in population databases (gnomAD no frequency). This sequence change replaces alanine, which is neutral and non-polar, with valine, which is neutral and non-polar, at codon 551 of the LYST protein (p.Ala551Val).

NM_000081.4(LYST):c.1652C>T (p.Ala551Val)

Gene: LYST (lysosomal trafficking regulator; minus strand). Cytogenetic location: 1q42.3.
Variant type: single nucleotide variant.
Coding change: c.1652C>T on transcript NM_000081.4 (MANE Select); coding-DNA position 1652, C replaced by T.
Protein change: p.Ala551Val; replaces alanine 551 with valine.
Molecular consequence: missense variant.
Genome position (GRCh38, 1-based): chr1:235,809,166, G>A on the plus strand (C>T on the coding strand, the complement: LYST is on the minus strand). VCF-style: chr1-235809166-G-A. GRCh37 (hg19) VCF-style: chr1-235972466-G-A.
Other names: c.1652C>T, p.Ala551Val (NM_001301365.1); short protein forms A551V.
Identifiers: ClinVar variation 2072089 (VCV002072089.4), dbSNP rs2527112276, ClinGen allele CA344961928.
Genomic context (GRCh38, chr1:235,809,166, plus strand): 5'-ACACAAGTGCTGCTCAAGGAAGCCTGCTGTAGTAAGCGCAAGCACTGATGGGCACACACT[G>A]CAATGCAACAGCACCGCTCAGGATAATAAACATCTCCATCTGCAGTCTCTTCAAATGGGT-3'
Protein context (NP_000072.2, residues 541-561): VYYPERCCCI[Ala551Val]VCAHQCLRLL